The following is an entry in ClinVar:

ClinVar aggregate classification (germline): Uncertain significance (1 of 4 stars; one submission).

Conditions:
Majeed syndrome (MJDS). Also called: CHRONIC RECURRENT MULTIFOCAL OSTEOMYELITIS 1, WITH CONGENITAL DYSERYTHROPOIETIC ANEMIA, WITH OR WITHOUT NEUTROPHILIC DERMATOSIS; LPIN2-Related Majeed Syndrome. Identifiers: Orphanet 77297, MedGen C1864997, MONDO:0012316, OMIM 609628.

Allele frequency attached by ClinVar (database versions not stated): gnomAD exomes below 0.00001; TOPMed below 0.00001; gnomAD 0.00001 and 0.00002.
gnomAD v4.1: 7 of 1,614,054 alleles (0.00043%); highest among the groups gnomAD compares: South Asian, 0.0044%; no homozygotes.

Submission:

Labcorp Genetics (formerly Invitae), Labcorp
Classification: Uncertain significance for Majeed syndrome. Last evaluated: 2018-02-01. Review status: criteria provided, single submitter. Criteria: Invitae Variant Classification Sherloc (09022015). Collection method: clinical testing. Allele origin: germline.
Comment: In summary, the available evidence is currently insufficient to determine the role of this variant in disease. Therefore, it has been classified as a Variant of Uncertain Significance. Nucleotide substitutions within the consensus splice site are a relatively common cause of aberrant splicing (PMID: 17576681, 9536098). Algorithms developed to predict the effect of sequence changes on RNA splicing suggest that this variant may disrupt the consensus splice site, but this prediction has not been confirmed by published transcriptional studies. This variant has not been reported in the literature in individuals with LPIN2-related disease. This variant is not present in population databases (ExAC no frequency). This sequence change falls in intron 14 of the LPIN2 gene. It does not directly change the encoded amino acid sequence of the LPIN2 protein, but it affects a nucleotide within the consensus splice site of the intron.

Literature cited by the submitters: PubMed 17576681; PubMed 9536098.

NM_001375808.2(LPIN2):c.1938+4A>G

Gene: LPIN2 (lipin 2; minus strand). Cytogenetic location: 18p11.31.
Variant type: single nucleotide variant.
Coding change: c.1938+4A>G on transcript NM_001375808.2 (MANE Select); 4 bases into the intron after coding-DNA position 1938, A replaced by G.
Molecular consequence: intron variant.
Genome position (GRCh38, 1-based): chr18:2,925,220, T>C on the plus strand (A>G on the coding strand, the complement: LPIN2 is on the minus strand). VCF-style: chr18-2925220-T-C. GRCh37 (hg19) VCF-style: chr18-2925218-T-C.
Other names: c.1938+4A>G (NM_014646.2, NM_001375809.1).
Identifiers: ClinVar variation 567813 (VCV000567813.7), dbSNP rs1397526157, ClinGen allele CA628047335.
Genomic context (GRCh38, chr18:2,925,220, plus strand): 5'-TGCATCAAATTAAACCATTACTAAAATAAGTCCTACTGGACAACACAGATCATGCAAGAC[T>C]CACGATCTGGTCTGAGGAGAGGCGGAGAGACTTCTTATATGAAGTTGTGCTGCCGTGGCT-3'